The following is an entry in ClinVar:

NM_014423.4(AFF4):c.2705G>A (p.Arg902Gln)

Gene: AFF4 (ALF transcription elongation factor 4; minus strand). Cytogenetic location: 5q31.1.
Variant type: single nucleotide variant.
Coding change: c.2705G>A on transcript NM_014423.4 (MANE Select); coding-DNA position 2705, G replaced by A.
Protein change: p.Arg902Gln; replaces arginine 902 with glutamine.
Molecular consequence: missense variant.
Genome position (GRCh38, 1-based): chr5:132,889,106, C>T on the plus strand (G>A on the coding strand, the complement: AFF4 is on the minus strand). VCF-style: chr5-132889106-C-T. GRCh37 (hg19) VCF-style: chr5-132224798-C-T.
Other names: short protein forms R902Q.
Identifiers: ClinVar variation 1719497 (VCV001719497.5), dbSNP rs758910679, ClinGen allele CA127301838.

ClinVar aggregate classification (germline): Uncertain significance (1 of 4 stars; one submission).

Conditions:
Cognitive impairment - coarse facies - heart defects - obesity - pulmonary involvement - short stature - skeletal dysplasia syndrome. Also called: Chops syndrome; COGNITIVE IMPAIRMENT, COARSE FACIES, HEART DEFECTS, OBESITY, PULMONARY INVOLVEMENT, SHORT STATURE, AND SKELETAL DYSPLASIA; AFF4-Related CHOPS Syndrome. Identifiers: Orphanet 444077, MedGen C4085597, MONDO:0014609, OMIM 616368.

Allele frequency attached by ClinVar (database versions not stated): TOPMed below 0.00001; gnomAD 0.00001; gnomAD exomes below 0.00001.
gnomAD v4.1: 4 of 1,613,710 alleles (0.00025%); highest among the groups gnomAD compares: African/African-American, 0.004%; no homozygotes.

Submission:

Labcorp Genetics (formerly Invitae), Labcorp
Classification: Uncertain significance for Cognitive impairment - coarse facies - heart defects - obesity - pulmonary involvement - short stature - skeletal dysplasia syndrome. Last evaluated: 2022-09-24. Review status: criteria provided, single submitter. Criteria: Invitae Variant Classification Sherloc (09022015). Collection method: clinical testing. Allele origin: germline.
Comment: This variant is present in population databases (rs758910679, gnomAD 0.01%). This sequence change replaces arginine, which is basic and polar, with glutamine, which is neutral and polar, at codon 902 of the AFF4 protein (p.Arg902Gln). This variant has not been reported in the literature in individuals affected with AFF4-related conditions. Advanced modeling of protein sequence and biophysical properties (such as structural, functional, and spatial information, amino acid conservation, physicochemical variation, residue mobility, and thermodynamic stability) performed at Invitae indicates that this missense variant is not expected to disrupt AFF4 protein function. In summary, the available evidence is currently insufficient to determine the role of this variant in disease. Therefore, it has been classified as a Variant of Uncertain Significance.